The following is an entry in ClinVar:

ClinVar aggregate classification (germline): Uncertain significance. Review status: criteria provided, multiple submitters, no conflicts (2 of 4 stars). 3 submissions from 3 submitters: Uncertain significance (3). Last evaluated 2025-03-19.

Conditions:
Dilated cardiomyopathy 1G (CMD1G). Identifiers: Orphanet 154, MedGen C1858763, MONDO:0011400, OMIM 604145.
Autosomal recessive limb-girdle muscular dystrophy type 2J (LGMDR10). Also called: MUSCULAR DYSTROPHY, LIMB-GIRDLE, AUTOSOMAL RECESSIVE 10; Limb-girdle muscular dystrophy, type 2J. Identifiers: Orphanet 140922, MedGen C1837342, MONDO:0012127, OMIM 608807.
TTN-related disorder. Also called: TTN-related disorders; TTN-related condition; TTN-related disease.
Primary dilated cardiomyopathy (DCM). Also called: Dilated Cardiomyopathy. Identifiers: Orphanet 217604, MedGen C0007193, MeSH D002311, MONDO:0005021, HP:0001644. Inheritance: Various modes of inheritance.

Allele frequency attached by ClinVar (database versions not stated): gnomAD 0.00001; TOPMed 0.00002; ESP Exome Variant Server 0.00016.
gnomAD v4.1: 21 of 1,612,978 alleles (0.0013%); highest among the groups gnomAD compares: Non-Finnish European, 0.0017%; no homozygotes.

Submissions (3):

PreventionGenetics, part of Exact Sciences
Classification: Uncertain significance for TTN-related condition. Last evaluated: 2025-03-19. Review status: criteria provided, single submitter. Criteria: ACMG Guidelines, 2015. Collection method: clinical testing. Allele origin: germline.
Comment: The TTN c.30223+5G>A variant is predicted to interfere with splicing. This variant is predicted to alter splicing based on available splicing prediction programs (SpliceAI, Jaganathan et al. 2019. PubMed ID: 30661751). However, such computer prediction programs are imperfect. To our knowledge, this variant has not been reported in the literature. This variant is reported in 0.0051% of alleles in individuals of East Asian descent in gnomAD. At this time, the clinical significance of this variant is uncertain due to the absence of conclusive functional and genetic evidence.

Labcorp Genetics (formerly Invitae), Labcorp
Classification: Uncertain significance for Dilated cardiomyopathy 1G; Autosomal recessive limb-girdle muscular dystrophy type 2J. Last evaluated: 2023-08-10. Review status: criteria provided, single submitter. Criteria: Invitae Variant Classification Sherloc (09022015). Collection method: clinical testing. Allele origin: germline.
Comment: This sequence change falls in intron 106 of the TTN gene. It does not directly change the encoded amino acid sequence of the TTN protein. It affects a nucleotide within the consensus splice site. This variant is present in population databases (rs368199297, gnomAD 0.005%). This variant has not been reported in the literature in individuals affected with TTN-related conditions. ClinVar contains an entry for this variant (Variation ID: 664323). Variants that disrupt the consensus splice site are a relatively common cause of aberrant splicing (PMID: 17576681, 9536098). Algorithms developed to predict the effect of sequence changes on RNA splicing suggest that this variant may disrupt the consensus splice site. This variant is located in the I band of TTN (PMID: 25589632). Variants in this region may be clinically relevant, but have not been definitively shown to cause cardiomyopathy or neuromuscular disease (PMID: 27493940, 32778822). In summary, the available evidence is currently insufficient to determine the role of this variant in disease. Therefore, it has been classified as a Variant of Uncertain Significance.

Cambridge Genomics Laboratory, East Genomic Laboratory Hub, NHS Genomic Medicine Service
Classification: Uncertain significance for Primary dilated cardiomyopathy. Last evaluated: 2018-09-20. Review status: criteria provided, single submitter. Criteria: ACGS Best Practice Guidelines for Variant Classification in Rare Disease 2020. Collection method: clinical testing. Allele origin: germline. Affected: yes. Observed: 1 variant allele.

Literature cited by the submitters: PubMed 17576681 (cited by Labcorp Genetics (formerly Invitae), Labcorp); PubMed 9536098 (cited by Labcorp Genetics (formerly Invitae), Labcorp); PubMed 25589632 (cited by Labcorp Genetics (formerly Invitae), Labcorp); PubMed 27493940 (cited by Labcorp Genetics (formerly Invitae), Labcorp); PubMed 32778822 (cited by Labcorp Genetics (formerly Invitae), Labcorp).

NM_001267550.2(TTN):c.30223+5G>A

Gene: TTN (titin; minus strand). Cytogenetic location: 2q31.2.
Variant type: single nucleotide variant.
Coding change: c.30223+5G>A on transcript NM_001267550.2 (MANE Select); 5 bases into the intron after coding-DNA position 30223, G replaced by A.
Molecular consequence: intron variant.
Genome position (GRCh38, 1-based): chr2:178,704,142, C>T on the plus strand (G>A on the coding strand, the complement: TTN is on the minus strand). VCF-style: chr2-178704142-C-T. GRCh37 (hg19) VCF-style: chr2-179568869-C-T.
Other names: c.13282+33940G>A (NM_003319.4); c.13858+33940G>A (NM_133437.4); c.13657+33940G>A (NM_133432.3); c.26491+5G>A (NM_133378.4); c.29272+5G>A (NM_001256850.1).
Identifiers: ClinVar variation 664323 (VCV000664323.9), dbSNP rs368199297, ClinGen allele CA1999223.